The following is an entry in ClinVar:

NM_005585.5(SMAD6):c.1224C>G (p.His408Gln)

Gene: SMAD6 (SMAD family member 6; plus strand). Cytogenetic location: 15q22.31.
Variant type: single nucleotide variant.
Coding change: c.1224C>G on transcript NM_005585.5 (MANE Select); coding-DNA position 1224, C replaced by G.
Protein change: p.His408Gln; replaces histidine 408 with glutamine.
Molecular consequence: missense variant. On other transcripts: non-coding transcript variant (1).
Genome position (GRCh38, 1-based): chr15:66,781,268, C>G. VCF-style: chr15-66781268-C-G. GRCh37 (hg19) VCF-style: chr15-67073606-C-G.
Other names: short protein forms H408Q.
Identifiers: ClinVar variation 1028401 (VCV001028401.3), dbSNP rs1381118550, ClinGen allele CA393202116.
Genomic context (GRCh38, chr15:66,781,268, plus strand): 5'-CTTCGGCATCCTGCTCAGCAAGGAGCCCGACGGCGTGTGGGCCTACAACCGCGGCGAGCA[C>G]CCCATCTTCGTCAACTCCCCGACGCTGGACGCGCCCGGCGGCCGCGCCCTGGTCGTGCGC-3'
Protein context (NP_005576.3, residues 398-418): DGVWAYNRGE[His408Gln]PIFVNSPTLD

ClinVar aggregate classification (germline): Uncertain significance. Review status: criteria provided, multiple submitters, no conflicts (2 of 4 stars). 2 submissions from 2 submitters: Uncertain significance (2). Last evaluated 2025-01-08.

Conditions:
Aortic valve disease 2 (AOVD2). Identifiers: MedGen C3542024, MONDO:0013902, OMIM 614823.

Allele frequency attached by ClinVar (database versions not stated): TOPMed below 0.00001; gnomAD 0.00001.
gnomAD v4.1: 3 of 1,607,562 alleles (0.00019%); highest among the groups gnomAD compares: Non-Finnish European, 0.00025%; no homozygotes.

Submissions (2):

Labcorp Genetics (formerly Invitae), Labcorp
Classification: Uncertain significance for Aortic valve disease 2. Last evaluated: 2025-01-08. Review status: criteria provided, single submitter. Criteria: Invitae Variant Classification Sherloc (09022015). Collection method: clinical testing. Allele origin: germline.
Comment: This sequence change replaces histidine, which is basic and polar, with glutamine, which is neutral and polar, at codon 408 of the SMAD6 protein (p.His408Gln). This variant is not present in population databases (gnomAD no frequency). This missense change has been observed in individual(s) with aortic valve disease (PMID: 28659821). ClinVar contains an entry for this variant (Variation ID: 1028401). Invitae Evidence Modeling of protein sequence and biophysical properties (such as structural, functional, and spatial information, amino acid conservation, physicochemical variation, residue mobility, and thermodynamic stability) indicates that this missense variant is not expected to disrupt SMAD6 protein function with a negative predictive value of 80%. In summary, the available evidence is currently insufficient to determine the role of this variant in disease. Therefore, it has been classified as a Variant of Uncertain Significance.

Baylor Genetics
Classification: Uncertain significance for Aortic valve disease 2. Last evaluated: 2019-06-28. Review status: criteria provided, single submitter. Criteria: ACMG Guidelines, 2015. Collection method: clinical testing. Allele origin: unknown. Affected: yes.
Comment: This variant was determined to be of uncertain significance according to ACMG Guidelines, 2015 [PMID:25741868].

Literature cited by the submitters: PubMed 28659821 (cited by Labcorp Genetics (formerly Invitae), Labcorp).